The following is an entry in ClinVar:

ClinVar aggregate classification (germline): Uncertain significance. Review status: criteria provided, multiple submitters, no conflicts (2 of 4 stars). 2 submissions from 2 submitters: Uncertain significance (2). Last evaluated 2025-03-30.

Conditions:
Hereditary cancer-predisposing syndrome. Also called: Hereditary neoplastic syndrome; Neoplastic Syndromes, Hereditary; Tumor predisposition; Hereditary Cancer Syndrome. Identifiers: Orphanet 140162, MedGen C0027672, MeSH D009386, MONDO:0015356.
Fanconi anemia complementation group J. Also called: BRIP1-Related Fanconi Anemia. Identifiers: Orphanet 84, MedGen C1836860, MONDO:0012187, OMIM 609054.
Familial cancer of breast. Also called: BREAST CANCER, FAMILIAL; hereditary breast carcinoma; Hereditary breast cancer. Identifiers: Orphanet 227535, MedGen C0346153, MONDO:0016419, OMIM 114480. Disease mechanism: loss of function.

Submissions (2):

Ambry Genetics
Classification: Uncertain significance for Hereditary cancer-predisposing syndrome. Last evaluated: 2025-03-30. Review status: criteria provided, single submitter. Criteria: Ambry Variant Classification Scheme 2023. Collection method: clinical testing. Allele origin: germline.
Comment: The p.W5C variant (also known as c.15G>C), located in coding exon 1 of the BRIP1 gene, results from a G to C substitution at nucleotide position 15. The tryptophan at codon 5 is replaced by cysteine, an amino acid with highly dissimilar properties. This amino acid position is conserved. In addition, this alteration is predicted to be tolerated by in silico analysis. Based on the available evidence, the clinical significance of this variant remains unclear.

Labcorp Genetics (formerly Invitae), Labcorp
Classification: Uncertain significance for Familial cancer of breast; Fanconi anemia complementation group J. Last evaluated: 2020-05-21. Review status: criteria provided, single submitter. Criteria: Invitae Variant Classification Sherloc (09022015). Collection method: clinical testing. Allele origin: germline.
Comment: This sequence change replaces tryptophan with cysteine at codon 5 of the BRIP1 protein (p.Trp5Cys). The tryptophan residue is weakly conserved and there is a large physicochemical difference between tryptophan and cysteine. This variant is not present in population databases (ExAC no frequency). This variant has not been reported in the literature in individuals with BRIP1-related conditions. Algorithms developed to predict the effect of missense changes on protein structure and function output the following: SIFT: "Tolerated"; PolyPhen-2: "Benign"; Align-GVGD: "Class C0". The cysteine amino acid residue is found in multiple mammalian species, suggesting that this missense change does not adversely affect protein function. These predictions have not been confirmed by published functional studies and their clinical significance is uncertain. In summary, the available evidence is currently insufficient to determine the role of this variant in disease. Therefore, it has been classified as a Variant of Uncertain Significance.

NM_032043.3(BRIP1):c.15G>C (p.Trp5Cys)

Gene: BRIP1 (BRCA1 interacting DNA helicase 1; minus strand). Cytogenetic location: 17q23.2.
Variant type: single nucleotide variant.
Coding change: c.15G>C on transcript NM_032043.3 (MANE Select); coding-DNA position 15, G replaced by C.
Protein change: p.Trp5Cys; replaces tryptophan 5 with cysteine.
Molecular consequence: missense variant.
Genome position (GRCh38, 1-based): chr17:61,861,525, C>G on the plus strand (G>C on the coding strand, the complement: BRIP1 is on the minus strand). VCF-style: chr17-61861525-C-G. GRCh37 (hg19) VCF-style: chr17-59938886-C-G.
Other names: c.15G>C (NM_032043.2); short protein forms W5C.
Identifiers: ClinVar variation 1019809 (VCV001019809.10), dbSNP rs2078973424, ClinGen allele CA400486070.
Genomic context (GRCh38, chr17:61,861,525, plus strand): 5'-CTGTGACGGGTAAGCTTTATAAGGAAAGTAAATCTTCACCCCACCAATTGTATATTCAGA[C>G]CACATTGAAGACATAGTGCTTTCCTGTTTATTTCAGATTCCTAACTACAACAGAAATGAA-3'
Protein context (NP_114432.2, residues 1-15): MSSM[Trp5Cys]SEYTIGGVKI